The following is an entry in ClinVar:

ClinVar aggregate classification (germline): Conflicting classifications of pathogenicity. Review status: criteria provided, conflicting classifications (1 of 4 stars). 2 submissions from 2 submitters: Uncertain significance (1); Likely benign (1). Last evaluated 2024-10-12.

Allele frequency attached by ClinVar (database versions not stated): gnomAD exomes 0.00027 and 0.00029; ExAC 0.00029; ESP Exome Variant Server 0.00031; gnomAD 0.00031 and 0.00034; TOPMed 0.00037.
gnomAD v4.1: 470 of 1,614,134 alleles (0.029%); highest among the groups gnomAD compares: Middle Eastern, 0.33%; 2 homozygotes.

Submissions (2):

Ambry Genetics
Classification: Uncertain significance. Last evaluated: 2024-10-12. Review status: criteria provided, single submitter. Criteria: Ambry Variant Classification Scheme 2023. Collection method: clinical testing. Allele origin: germline.

GeneDx
Classification: Likely benign. Last evaluated: 2018-06-13. Review status: criteria provided, single submitter. Criteria: GeneDx Variant Classification (06012015). Collection method: clinical testing. Allele origin: germline. Affected: yes.
Comment: This variant is considered likely benign or benign based on one or more of the following criteria: it is a conservative change, it occurs at a poorly conserved position in the protein, it is predicted to be benign by multiple in silico algorithms, and/or has population frequency not consistent with disease.

NM_001347995.2(ENTREP1):c.856C>T (p.His286Tyr)

Gene: ENTREP1 (endosomal transmembrane epsin interactor 1; plus strand). Cytogenetic location: 9q21.12.
Variant type: single nucleotide variant.
Coding change: c.856C>T on transcript NM_001347995.2 (MANE Select); coding-DNA position 856, C replaced by T.
Protein change: p.His286Tyr; replaces histidine 286 with tyrosine.
Molecular consequence: missense variant. On other transcripts: non-coding transcript variant (1).
Genome position (GRCh38, 1-based): chr9:69,377,647, C>T. VCF-style: chr9-69377647-C-T. GRCh37 (hg19) VCF-style: chr9-71992563-C-T.
Other names: c.397C>T, p.His133Tyr (NM_001127608.3, NM_004816.5); c.397C>T (NM_004816.3); short protein forms H133Y, H286Y.
Identifiers: ClinVar variation 668412 (VCV000668412.4), dbSNP rs144596205, ClinGen allele CA5074256.